The following is an entry in ClinVar:

NM_000553.6(WRN):c.590G>A (p.Cys197Tyr)

Gene: WRN (WRN RecQ like helicase; plus strand). Cytogenetic location: 8p12.
Variant type: single nucleotide variant.
Coding change: c.590G>A on transcript NM_000553.6 (MANE Select); coding-DNA position 590, G replaced by A.
Protein change: p.Cys197Tyr; replaces cysteine 197 with tyrosine.
Molecular consequence: missense variant.
Genome position (GRCh38, 1-based): chr8:31,067,118, G>A. VCF-style: chr8-31067118-G-A. GRCh37 (hg19) VCF-style: chr8-30924634-G-A.
Other names: short protein forms C197Y.
Identifiers: ClinVar variation 1043144 (VCV001043144.3), dbSNP rs1812738619, ClinGen allele CA370916183.

ClinVar aggregate classification (germline): Uncertain significance (1 of 4 stars; one submission).

Conditions:
Werner syndrome (WRN). Identifiers: Orphanet 902, MedGen C0043119, MONDO:0010196, OMIM 277700.

Allele frequency attached by ClinVar (database versions not stated): gnomAD exomes below 0.00001.
gnomAD v4.1: 5 of 1,613,964 alleles (0.00031%); highest among the groups gnomAD compares: Non-Finnish European, 0.00042%; no homozygotes.

Submission:

Labcorp Genetics (formerly Invitae), Labcorp
Classification: Uncertain significance for Werner syndrome. Last evaluated: 2023-06-22. Review status: criteria provided, single submitter. Criteria: Invitae Variant Classification Sherloc (09022015). Collection method: clinical testing. Allele origin: germline.
Comment: An algorithm developed to predict the effect of missense changes on protein structure and function (PolyPhen-2) suggests that this variant is likely to be disruptive. In summary, the available evidence is currently insufficient to determine the role of this variant in disease. Therefore, it has been classified as a Variant of Uncertain Significance. ClinVar contains an entry for this variant (Variation ID: 1043144). This variant has not been reported in the literature in individuals affected with WRN-related conditions. This variant is not present in population databases (gnomAD no frequency). This sequence change replaces cysteine, which is neutral and slightly polar, with tyrosine, which is neutral and polar, at codon 197 of the WRN protein (p.Cys197Tyr).